The following is an entry in ClinVar:

ClinVar aggregate classification (germline): Pathogenic/Likely pathogenic. Review status: criteria provided, multiple submitters, no conflicts (2 of 4 stars). 3 submissions from 3 submitters: Pathogenic (2); Likely pathogenic (1). Last evaluated 2026-07-01.

Conditions:
Hereditary cancer-predisposing syndrome. Also called: Tumor predisposition; Hereditary Cancer Syndrome; Hereditary neoplastic syndrome; Neoplastic Syndromes, Hereditary. Identifiers: Orphanet 140162, MedGen C0027672, MeSH D009386, MONDO:0015356.
Retinoblastoma (RB1). Also called: RETINOBLASTOMA, SOMATIC. Identifiers: Orphanet 790, MedGen C0035335, MeSH D012175, MONDO:0008380, OMIM 180200, HP:0009919. Disease mechanism: loss of function. Inheritance: Both sporadic and heritable forms are tested..

Submissions (3):

Ambry Genetics
Classification: Likely pathogenic for Hereditary cancer-predisposing syndrome. Last evaluated: 2026-07-01. Review status: criteria provided, single submitter. Criteria: Ambry Variant Classification Scheme 2023. Collection method: clinical testing. Allele origin: germline.
Comment: The c.861+1G>A intronic variant results from a G to A substitution one nucleotide after coding exon 8 of the RB1 gene. This nucleotide position is highly conserved in available vertebrate species. In silico splice site analysis predicts that this alteration will weaken the native splice donor site and will result in the creation or strengthening of a novel splice donor site. This variant is considered to be rare based on population cohorts in the Genome Aggregation Database (gnomAD). This variant was reported in individual(s) with features consistent with RB1-related retinoblastoma (Ambry internal data). Alterations that disrupt the canonical splice site are expected to cause aberrant splicing, resulting in an abnormal protein or a transcript that is subject to nonsense-mediated mRNA decay. As such, this alteration is classified as likely pathogenic.

Genetic Diagnostic Laboratory, University of Pennsylvania School of Medicine
Classification: Pathogenic for Retinoblastoma. Last evaluated: 2024-05-20. Review status: criteria provided, single submitter. Criteria: ACMG Guidelines, 2015. Collection method: clinical testing. Allele origin: germline. Affected: yes. Observed: 1 variant allele.
Comment: Case and Pedigree Information: BILATERAL CASES:1, UNILATERAL CASES:0, TOTAL CASES:1, PEDIGREES:1. ACMG Codes Applied:PVS1, PM2

Labcorp Genetics (formerly Invitae), Labcorp
Classification: Pathogenic for Retinoblastoma. Last evaluated: 2022-09-17. Review status: criteria provided, single submitter. Criteria: Invitae Variant Classification Sherloc (09022015). Collection method: clinical testing. Allele origin: germline.
Comment: For these reasons, this variant has been classified as Pathogenic. Algorithms developed to predict the effect of sequence changes on RNA splicing suggest that this variant may disrupt the consensus splice site. Disruption of this splice site has been observed in individual(s) with retinoblastoma (PMID: 19280657; Invitae). This variant is not present in population databases (gnomAD no frequency). This sequence change affects a donor splice site in intron 8 of the RB1 gene. It is expected to disrupt RNA splicing. Variants that disrupt the donor or acceptor splice site typically lead to a loss of protein function (PMID: 16199547), and loss-of-function variants in RB1 are known to be pathogenic (PMID: 17096365).

Literature cited by the submitters: PubMed 19280657 (cited by Labcorp Genetics (formerly Invitae), Labcorp); PubMed 16199547 (cited by Labcorp Genetics (formerly Invitae), Labcorp); PubMed 17096365 (cited by Labcorp Genetics (formerly Invitae), Labcorp).

NM_000321.3(RB1):c.861+1G>A

Gene: RB1 (RB transcriptional corepressor 1; plus strand). Cytogenetic location: 13q14.2.
Variant type: single nucleotide variant.
Coding change: c.861+1G>A on transcript NM_000321.3 (MANE Select); the canonical splice donor site of the intron after coding-DNA position 861, G replaced by A.
Molecular consequence: splice donor variant.
Genome position (GRCh38, 1-based): chr13:48,362,958, G>A. VCF-style: chr13-48362958-G-A. GRCh37 (hg19) VCF-style: chr13-48937094-G-A.
Other names: c.861+1G>A (NM_000321.2, NM_001407165.1, NM_001407166.1).
Identifiers: ClinVar variation 2137494 (VCV002137494.6), dbSNP rs2138112893, ClinGen allele CA388159729.